The following is an entry in ClinVar:

NM_030665.4(RAI1):c.3184G>T (p.Ala1062Ser)

Gene: RAI1 (retinoic acid induced 1; plus strand). Cytogenetic location: 17p11.2.
Variant type: single nucleotide variant.
Coding change: c.3184G>T on transcript NM_030665.4 (MANE Select); coding-DNA position 3184, G replaced by T.
Protein change: p.Ala1062Ser; replaces alanine 1062 with serine.
Molecular consequence: missense variant.
Genome position (GRCh38, 1-based): chr17:17,796,132, G>T. VCF-style: chr17-17796132-G-T. GRCh37 (hg19) VCF-style: chr17-17699446-G-T.
Other names: short protein forms A1062S.
Identifiers: ClinVar variation 2769018 (VCV002769018.3), dbSNP rs2508585733, ClinGen allele CA398553073.

ClinVar aggregate classification (germline): Uncertain significance (1 of 4 stars; one submission).

Submission:

Labcorp Genetics (formerly Invitae), Labcorp
Classification: Uncertain significance. Last evaluated: 2023-10-16. Review status: criteria provided, single submitter. Criteria: Invitae Variant Classification Sherloc (09022015). Collection method: clinical testing. Allele origin: germline.
Comment: This sequence change replaces alanine, which is neutral and non-polar, with serine, which is neutral and polar, at codon 1062 of the RAI1 protein (p.Ala1062Ser). This variant is not present in population databases (gnomAD no frequency). This variant has not been reported in the literature in individuals affected with RAI1-related conditions. Advanced modeling of protein sequence and biophysical properties (such as structural, functional, and spatial information, amino acid conservation, physicochemical variation, residue mobility, and thermodynamic stability) has been performed at Invitae for this missense variant, however the output from this modeling did not meet the statistical confidence thresholds required to predict the impact of this variant on RAI1 protein function. In summary, the available evidence is currently insufficient to determine the role of this variant in disease. Therefore, it has been classified as a Variant of Uncertain Significance.